The following is an entry in ClinVar:

ClinVar aggregate classification (germline): Likely pathogenic (1 of 4 stars; one submission).

Conditions:
Alport syndrome. Also called: Hemorrhagic familial nephritis; Hemorrhagic hereditary nephritis; Congenital hereditary hematuria. Identifiers: Orphanet 63, MedGen C1567741, MONDO:0018965.

gnomAD v4.1: 1 of 1,611,106 alleles (0.000062%); highest among the groups gnomAD compares: Middle Eastern, 0.017%; no homozygotes.

Submission:

Natera, Inc.
Classification: Likely pathogenic for Alport syndrome. Last evaluated: 2025-09-10. Review status: criteria provided, single submitter. Criteria: Natera Variant Classification Schema (03/2026). Collection method: clinical testing. Allele origin: germline.
Comment: The c.3346G>T variant in COL4A3 is a missense variant predicted to cause substitution of glycine to cysteine at amino acid 1116. This variant is rare in the general population with a frequency below the threshold expected for the associated phenotype(s). This variant is located in a functionally critical region of the protein. Given the available evidence, this variant is classified as Likely Pathogenic.

NM_000091.5(COL4A3):c.3346G>T (p.Gly1116Cys)

Genes: COL4A3 (collagen type IV alpha 3 chain; plus strand), MFF-DT (MFF divergent transcript; minus strand). Cytogenetic location: 2q36.3.
Variant type: single nucleotide variant.
Coding change: c.3346G>T on transcript NM_000091.5 (MANE Select); coding-DNA position 3346, G replaced by T.
Protein change: p.Gly1116Cys; replaces glycine 1116 with cysteine.
Molecular consequence: missense variant.
Genome position (GRCh38, 1-based): chr2:227,294,498, G>T. VCF-style: chr2-227294498-G-T. GRCh37 (hg19) VCF-style: chr2-228159214-G-T.
Other names: short protein forms G1116C.
Identifiers: ClinVar variation 4817248 (VCV004817248.1).